The following is an entry in ClinVar:

ClinVar aggregate classification (germline): Conflicting classifications of pathogenicity. Review status: criteria provided, conflicting classifications (1 of 4 stars). 3 submissions from 3 submitters: Uncertain significance (2); Likely benign (1). Last evaluated 2025-05-23.

Conditions:
Inborn genetic diseases. Identifiers: MedGen C0950123, MeSH D030342.

Allele frequency attached by ClinVar (database versions not stated): ExAC 0.00001; TOPMed 0.00001.
gnomAD v4.1: 10 of 1,613,974 alleles (0.00062%); highest among the groups gnomAD compares: Middle Eastern, 0.016%; no homozygotes.

Submissions (3):

Ambry Genetics
Classification: Likely benign for Inborn genetic diseases. Last evaluated: 2025-05-23. Review status: criteria provided, single submitter. Criteria: Ambry Variant Classification Scheme 2023. Collection method: clinical testing. Allele origin: germline.

Blueprint Genetics
Classification: Uncertain significance. Last evaluated: 2024-09-03. Review status: criteria provided, single submitter. Criteria: ACMG Guidelines, 2015. Collection method: clinical testing. Allele origin: germline.

Labcorp Genetics (formerly Invitae), Labcorp
Classification: Uncertain significance. Last evaluated: 2022-08-09. Review status: criteria provided, single submitter. Criteria: Invitae Variant Classification Sherloc (09022015). Collection method: clinical testing. Allele origin: germline.
Comment: This sequence change replaces valine, which is neutral and non-polar, with isoleucine, which is neutral and non-polar, at codon 1859 of the GPR179 protein (p.Val1859Ile). This variant is present in population databases (rs371603020, gnomAD 0.0009%). This variant has not been reported in the literature in individuals affected with GPR179-related conditions. ClinVar contains an entry for this variant (Variation ID: 866691). Algorithms developed to predict the effect of missense changes on protein structure and function output the following: SIFT: "Tolerated"; PolyPhen-2: "Benign"; Align-GVGD: "Class C0". The isoleucine amino acid residue is found in multiple mammalian species, which suggests that this missense change does not adversely affect protein function. In summary, the available evidence is currently insufficient to determine the role of this variant in disease. Therefore, it has been classified as a Variant of Uncertain Significance.

NM_001004334.4(GPR179):c.5575G>A (p.Val1859Ile)

Gene: GPR179 (G protein-coupled receptor 179; minus strand). Cytogenetic location: 17q12.
Variant type: single nucleotide variant.
Coding change: c.5575G>A on transcript NM_001004334.4 (MANE Select); coding-DNA position 5575, G replaced by A.
Protein change: p.Val1859Ile; replaces valine 1859 with isoleucine.
Molecular consequence: missense variant.
Genome position (GRCh38, 1-based): chr17:38,327,994, C>T on the plus strand (G>A on the coding strand, the complement: GPR179 is on the minus strand). VCF-style: chr17-38327994-C-T. GRCh37 (hg19) VCF-style: chr17-36483877-C-T.
Other names: short protein forms V1859I.
Identifiers: ClinVar variation 866691 (VCV000866691.8), dbSNP rs371603020, ClinGen allele CA290103469.